The following is an entry in ClinVar:

ClinVar aggregate classification (germline): Uncertain significance (1 of 4 stars; one submission).

Conditions:
Dilated cardiomyopathy 1AA (CMD1AA). Also called: CARDIOMYOPATHY, FAMILIAL HYPERTROPHIC, 23, WITH OR WITHOUT LEFT VENTRICULAR NONCOMPACTION; CARDIOMYOPATHY, DILATED, 1AA, WITH OR WITHOUT LEFT VENTRICULAR NONCOMPACTION; Cardiomyopathy, dilated, 1AA, with or without LVNC. Identifiers: Orphanet 154, MedGen C2677338, MONDO:0012808, OMIM 612158.

Submission:

3billion
Classification: Uncertain significance for Dilated cardiomyopathy 1AA. Last evaluated: 2024-02-15. Review status: criteria provided, single submitter. Criteria: ACMG Guidelines, 2015. Collection method: clinical testing. Allele origin: germline. Affected: yes.
Comment: The variant is not observed in the gnomAD v2.1.1 dataset. Predicted Consequence/Location: Missense variant In silico tool predictions suggest damaging effect of the variant on gene or gene product [REVEL: 0.76 (>=0.6, sensitivity 0.68 and specificity 0.92); 3Cnet: 0.95 (>=0.6, sensitivity 0.72 and precision 0.9)]. Therefore, this variant is classified as VUS according to the recommendation of ACMG/AMP guideline.

NM_001103.4(ACTN2):c.428T>C (p.Ile143Thr)

Gene: ACTN2 (actinin alpha 2; plus strand). Cytogenetic location: 1q43.
Variant type: single nucleotide variant.
Coding change: c.428T>C on transcript NM_001103.4 (MANE Select); coding-DNA position 428, T replaced by C.
Protein change: p.Ile143Thr; replaces isoleucine 143 with threonine.
Molecular consequence: missense variant. On other transcripts: non-coding transcript variant (1).
Genome position (GRCh38, 1-based): chr1:236,720,171, T>C. VCF-style: chr1-236720171-T-C. GRCh37 (hg19) VCF-style: chr1-236883471-T-C.
Other names: c.428T>C, p.Ile143Thr (NM_001278343.2); short protein forms I143T.
Identifiers: ClinVar variation 3775892 (VCV003775892.1).
Genomic context (GRCh38, chr1:236,720,171, plus strand): 5'-TTGATGGCAACGTGAAAATGACCCTGGGTATGATCTGGACCATCATCCTTCGCTTTGCTA[T>C]TCAGGATATTTCGGTTGAAGGTAAAAGACATGGTTAAAAGTCTAATTGTATAATCTGTAA-3'
Protein context (NP_001094.1, residues 133-153): MIWTIILRFA[Ile143Thr]QDISVEETSA